The following is an entry in ClinVar:

ClinVar aggregate classification (germline): Uncertain significance (1 of 4 stars; one submission).

gnomAD v4.1: 8 of 1,613,940 alleles (0.0005%); highest among the groups gnomAD compares: Non-Finnish European, 0.00068%; no homozygotes.

Submission:

Labcorp Genetics (formerly Invitae), Labcorp
Classification: Uncertain significance. Last evaluated: 2025-04-13. Review status: criteria provided, single submitter. Criteria: Invitae Variant Classification Sherloc (09022015). Collection method: clinical testing. Allele origin: germline.
Comment: This sequence change replaces histidine, which is basic and polar, with arginine, which is basic and polar, at codon 96 of the MYH3 protein (p.His96Arg). This variant is present in population databases (no rsID available, gnomAD 0.007%). This variant has not been reported in the literature in individuals affected with MYH3-related conditions. Invitae Evidence Modeling of protein sequence and biophysical properties (such as structural, functional, and spatial information, amino acid conservation, physicochemical variation, residue mobility, and thermodynamic stability) indicates that this missense variant is not expected to disrupt MYH3 protein function with a negative predictive value of 95%. In summary, the available evidence is currently insufficient to determine the role of this variant in disease. Therefore, it has been classified as a Variant of Uncertain Significance.

NM_002470.4(MYH3):c.287A>G (p.His96Arg)

Gene: MYH3 (myosin heavy chain 3; minus strand). Cytogenetic location: 17p13.1.
Variant type: single nucleotide variant.
Coding change: c.287A>G on transcript NM_002470.4 (MANE Select); coding-DNA position 287, A replaced by G.
Protein change: p.His96Arg; replaces histidine 96 with arginine.
Molecular consequence: missense variant.
Genome position (GRCh38, 1-based): chr17:10,652,481, T>C on the plus strand (A>G on the coding strand, the complement: MYH3 is on the minus strand). VCF-style: chr17-10652481-T-C. GRCh37 (hg19) VCF-style: chr17-10555798-T-C.
Other names: short protein forms H96R.
Identifiers: ClinVar variation 4797129 (VCV004797129.1).